The following is an entry in ClinVar:

NM_005918.4(MDH2):c.20G>A (p.Arg7Gln)

Gene: MDH2 (malate dehydrogenase 2; plus strand). Cytogenetic location: 7q11.23.
Variant type: single nucleotide variant.
Coding change: c.20G>A on transcript NM_005918.4 (MANE Select); coding-DNA position 20, G replaced by A.
Protein change: p.Arg7Gln; replaces arginine 7 with glutamine.
Molecular consequence: missense variant. On other transcripts: 5 prime UTR variant (1), non-coding transcript variant (1).
Genome position (GRCh38, 1-based): chr7:76,048,180, G>A. VCF-style: chr7-76048180-G-A. GRCh37 (hg19) VCF-style: chr7-75677498-G-A.
Other names: c.20G>A, p.Arg7Gln (NM_001282403.2); c.-133G>A (NM_001282404.2); c.20G>A (NM_005918.2); short protein forms R7Q.
Identifiers: ClinVar variation 1493339 (VCV001493339.7), dbSNP rs751504529, ClinGen allele CA4305383.

ClinVar aggregate classification (germline): Uncertain significance. Review status: criteria provided, multiple submitters, no conflicts (2 of 4 stars). 2 submissions from 2 submitters: Uncertain significance (2). Last evaluated 2025-09-26.

Conditions:
Inborn genetic diseases. Identifiers: MedGen C0950123, MeSH D030342.

Allele frequency attached by ClinVar (database versions not stated): ExAC 0.00007.
gnomAD v4.1: 55 of 1,536,442 alleles (0.0036%); highest among the groups gnomAD compares: East Asian, 0.061%; no homozygotes.

Submissions (2):

Ambry Genetics
Classification: Uncertain significance for Inborn genetic diseases. Last evaluated: 2025-09-26. Review status: criteria provided, single submitter. Criteria: Ambry Variant Classification Scheme 2023. Collection method: clinical testing. Allele origin: germline.

Labcorp Genetics (formerly Invitae), Labcorp
Classification: Uncertain significance. Last evaluated: 2024-01-17. Review status: criteria provided, single submitter. Criteria: Invitae Variant Classification Sherloc (09022015). Collection method: clinical testing. Allele origin: germline.
Comment: This sequence change replaces arginine, which is basic and polar, with glutamine, which is neutral and polar, at codon 7 of the MDH2 protein (p.Arg7Gln). The frequency data for this variant in the population databases is considered unreliable, as metrics indicate poor data quality at this position in the gnomAD database. This variant has not been reported in the literature in individuals affected with MDH2-related conditions. ClinVar contains an entry for this variant (Variation ID: 1493339). Experimental studies and prediction algorithms are not available or were not evaluated, and the functional significance of this variant is currently unknown. In summary, the available evidence is currently insufficient to determine the role of this variant in disease. Therefore, it has been classified as a Variant of Uncertain Significance.